The following is an entry in ClinVar:

ClinVar aggregate classification (germline): Uncertain significance (1 of 4 stars; one submission).

Conditions:
Nephronophthisis. Also called: Juvenile Nephronophthisis. Identifiers: Orphanet 655, MedGen C0687120, MONDO:0019005, HP:0000090.

Submission:

Labcorp Genetics (formerly Invitae), Labcorp
Classification: Uncertain significance for Nephronophthisis. Last evaluated: 2021-10-19. Review status: criteria provided, single submitter. Criteria: Invitae Variant Classification Sherloc (09022015). Collection method: clinical testing. Allele origin: germline.
Comment: This variant is not present in population databases (ExAC no frequency). In summary, the available evidence is currently insufficient to determine the role of this variant in disease. Therefore, it has been classified as a Variant of Uncertain Significance. Algorithms developed to predict the effect of sequence changes on RNA splicing suggest that this variant may create or strengthen a splice site. Algorithms developed to predict the effect of missense changes on protein structure and function are either unavailable or do not agree on the potential impact of this missense change (SIFT: "Deleterious"; PolyPhen-2: "Possibly Damaging"; Align-GVGD: "Class C0"). This variant has not been reported in the literature in individuals affected with NPHP3-related conditions. This sequence change replaces methionine with valine at codon 1122 of the NPHP3 protein (p.Met1122Val). The methionine residue is highly conserved and there is a small physicochemical difference between methionine and valine.

NM_153240.5(NPHP3):c.3364A>G (p.Met1122Val)

Genes: NPHP3 (nephrocystin 3; minus strand), NPHP3-ACAD11 (NPHP3-ACAD11 readthrough (NMD candidate); minus strand). Cytogenetic location: 3q22.1.
Variant type: single nucleotide variant.
Coding change: c.3364A>G on transcript NM_153240.5 (MANE Select); coding-DNA position 3364, A replaced by G.
Protein change: p.Met1122Val; replaces methionine 1122 with valine.
Molecular consequence: missense variant. On other transcripts: non-coding transcript variant (1).
Genome position (GRCh38, 1-based): chr3:132,684,760, T>C on the plus strand (A>G on the coding strand, the complement: NPHP3 is on the minus strand). VCF-style: chr3-132684760-T-C. GRCh37 (hg19) VCF-style: chr3-132403604-T-C.
Other names: short protein forms M1122V.
Identifiers: ClinVar variation 1437599 (VCV001437599.6), dbSNP rs2107963463, ClinGen allele CA354579172.
Genomic context (GRCh38, chr3:132,684,760, plus strand): 5'-CCAGATTATTCAAAGACTGAGCACAGTCAGGGTGATCTGGTCCTAGAACTCGCTCCCTCA[T>C]TTCTAAGGAACGCTTCAGAAACTGGTCAGCTGTTCTGTGAACACAATCCCAAAATGGCTT-3'
Protein context (NP_694972.3, residues 1112-1132): ADQFLKRSLE[Met1122Val]RERVLGPDHP